The following is an entry in ClinVar:

NM_001267550.2(TTN):c.36301A>C (p.Ile12101Leu)

Gene: TTN (titin; minus strand). Cytogenetic location: 2q31.2.
Variant type: single nucleotide variant.
Coding change: c.36301A>C on transcript NM_001267550.2 (MANE Select); coding-DNA position 36301, A replaced by C.
Protein change: p.Ile12101Leu; replaces isoleucine 12101 with leucine.
Molecular consequence: missense variant. On other transcripts: intron variant (5).
Genome position (GRCh38, 1-based): chr2:178,664,078, T>G on the plus strand (A>C on the coding strand, the complement: TTN is on the minus strand). VCF-style: chr2-178664078-T-G. GRCh37 (hg19) VCF-style: chr2-179528805-T-G.
Other names: c.13283-21761A>C (NM_003319.4); c.13859-21761A>C (NM_133437.4); c.13658-21761A>C (NM_133432.3); c.31484-1023A>C (NM_133378.4); c.34265-1023A>C (NM_001256850.1); short protein forms I12101L.
Identifiers: ClinVar variation 3573527 (VCV003573527.1).

ClinVar aggregate classification (germline): Uncertain significance (1 of 4 stars; one submission).

gnomAD v4.1: 5 of 1,612,484 alleles (0.00031%); highest among the groups gnomAD compares: Admixed American, 0.0017%; no homozygotes.

Submission:

GeneDx
Classification: Uncertain significance. Last evaluated: 2024-07-16. Review status: criteria provided, single submitter. Criteria: GeneDx Variant Classification Process June 2021. Collection method: clinical testing. Allele origin: germline. Affected: yes.
Comment: Not observed at significant frequency in large population cohorts (gnomAD); Missense variant in a gene in which most reported pathogenic variants are truncating/loss of function; Has not been previously published as pathogenic or benign to our knowledge